The following is an entry in ClinVar:

NM_000038.6(APC):c.8036C>T (p.Thr2679Ile)

Gene: APC (APC regulator of Wnt signaling pathway; plus strand). Cytogenetic location: 5q22.2.
Variant type: single nucleotide variant.
Coding change: c.8036C>T on transcript NM_000038.6 (MANE Select); coding-DNA position 8036, C replaced by T.
Protein change: p.Thr2679Ile; replaces threonine 2679 with isoleucine.
Molecular consequence: missense variant.
Genome position (GRCh38, 1-based): chr5:112,843,630, C>T. VCF-style: chr5-112843630-C-T. GRCh37 (hg19) VCF-style: chr5-112179327-C-T.
Other names: c.7187C>T, p.Thr2396Ile (NM_001354906.2); c.8036C>T, p.Thr2679Ile (NM_001127510.3, NM_001354895.2); c.7982C>T, p.Thr2661Ile (NM_001127511.3); c.8090C>T, p.Thr2697Ile (NM_001354896.2); c.8066C>T, p.Thr2689Ile (NM_001354897.2); c.7961C>T, p.Thr2654Ile (NM_001354898.2); c.7952C>T, p.Thr2651Ile (NM_001354899.2); c.7913C>T, p.Thr2638Ile (NM_001354900.2); and 5 more; short protein forms T2661I, T2679I, T2588I, T2689I, T2620I, T2638I, T2651I, T2654I.
Identifiers: ClinVar variation 489502 (VCV000489502.21), dbSNP rs752887834, ClinGen allele CA16038783.
Genomic context (GRCh38, chr5:112,843,630, plus strand): 5'-TGAGAATTGAGGACTGTCCCATTAACAATCCTAGATCTGGAAGATCTCCCACAGGTAATA[C>T]TCCCCCGGTGATTGACAGTGTTTCAGAAAAGGCAAATCCAAACATTAAAGATTCAAAAGA-3'
Protein context (NP_000029.2, residues 2669-2689): PRSGRSPTGN[Thr2679Ile]PPVIDSVSEK

ClinVar aggregate classification (germline): Uncertain significance. Review status: criteria provided, multiple submitters, no conflicts (2 of 4 stars). 5 submissions from 5 submitters: Uncertain significance (5). Last evaluated 2025-06-11.

Conditions:
Familial adenomatous polyposis 1 (FAP1). Also called: POLYPOSIS, ADENOMATOUS INTESTINAL; FAMILIAL ADENOMATOUS POLYPOSIS 1, ATTENUATED. Identifiers: MedGen C2713442, MONDO:0021056, OMIM 175100. Disease mechanism: loss of function.
Hereditary cancer-predisposing syndrome. Also called: Hereditary Cancer Syndrome; Neoplastic Syndromes, Hereditary; Tumor predisposition; Hereditary neoplastic syndrome. Identifiers: Orphanet 140162, MedGen C0027672, MeSH D009386, MONDO:0015356.

Allele frequency attached by ClinVar (database versions not stated): TOPMed 0.00001.
gnomAD v4.1: 6 of 1,613,810 alleles (0.00037%); highest among the groups gnomAD compares: South Asian, 0.0011%; no homozygotes.

Submissions (5):

Labcorp Genetics (formerly Invitae), Labcorp
Classification: Uncertain significance for Familial adenomatous polyposis 1. Last evaluated: 2025-06-11. Review status: criteria provided, single submitter. Criteria: Invitae Variant Classification Sherloc (09022015). Collection method: clinical testing. Allele origin: germline.
Comment: This sequence change replaces threonine, which is neutral and polar, with isoleucine, which is neutral and non-polar, at codon 2679 of the APC protein (p.Thr2679Ile). This variant is present in population databases (no rsID available, gnomAD 0.003%). This variant has not been reported in the literature in individuals affected with APC-related conditions. ClinVar contains an entry for this variant (Variation ID: 489502). Invitae Evidence Modeling of protein sequence and biophysical properties (such as structural, functional, and spatial information, amino acid conservation, physicochemical variation, residue mobility, and thermodynamic stability) indicates that this missense variant is not expected to disrupt APC protein function with a negative predictive value of 95%. In summary, the available evidence is currently insufficient to determine the role of this variant in disease. Therefore, it has been classified as a Variant of Uncertain Significance.

Women's Health and Genetics/Laboratory Corporation of America, LabCorp
Classification: Uncertain significance. Last evaluated: 2025-04-21. Review status: criteria provided, single submitter. Criteria: LabCorp Variant Classification Summary - May 2015. Collection method: clinical testing. Allele origin: germline.

Ambry Genetics
Classification: Uncertain significance for Hereditary cancer-predisposing syndrome. Last evaluated: 2024-09-12. Review status: criteria provided, single submitter. Criteria: Ambry Variant Classification Scheme 2023. Collection method: clinical testing. Allele origin: germline.
Comment: The p.T2679I variant (also known as c.8036C>T), located in coding exon 15 of the APC gene, results from a C to T substitution at nucleotide position 8036. The threonine at codon 2679 is replaced by isoleucine, an amino acid with similar properties. This amino acid position is well conserved in available vertebrate species. In addition, in silico predictors for this gene do not accurately predict pathogenicity. Since supporting evidence is limited at this time, the clinical significance of this alteration remains unclear.

Color Diagnostics, LLC DBA Color Health
Classification: Uncertain significance for Hereditary cancer-predisposing syndrome. Last evaluated: 2023-12-05. Review status: criteria provided, single submitter. Criteria: ACMG Guidelines, 2015. Collection method: clinical testing. Allele origin: germline.
Comment: This missense variant replaces threonine with isoleucine at codon 2679 of the APC protein. Computational prediction suggests that this variant may not impact protein structure and function (internally defined REVEL score threshold <= 0.5, PMID: 27666373). To our knowledge, functional studies have not been reported for this variant. This variant has not been reported in individuals affected with APC-related disorders in the literature. This variant has been identified in 1/251236 chromosomes in the general population by the Genome Aggregation Database (gnomAD). The available evidence is insufficient to determine the role of this variant in disease conclusively. Therefore, this variant is classified as a Variant of Uncertain Significance.

Baylor Genetics
Classification: Uncertain significance for Familial adenomatous polyposis 1. Last evaluated: 2023-11-21. Review status: criteria provided, single submitter. Criteria: ACMG Guidelines, 2015. Collection method: clinical testing. Allele origin: unknown.